The following is an entry in ClinVar:

ClinVar aggregate classification (germline): Likely benign. Review status: criteria provided, single submitter (1 of 4 stars). 2 submissions from 1 submitter: Likely benign (2). Last evaluated 2018-01-12.

Conditions:
Adult-onset proximal spinal muscular atrophy, autosomal dominant. Also called: Spinal muscular atrophy, late-onset, finkel type; FINKEL LATE-ADULT TYPE SMA. Identifiers: Orphanet 209335, MedGen C1854058, MONDO:0008453, OMIM 182980.
Amyotrophic lateral sclerosis type 8 (ALS8). Identifiers: Orphanet 803, MedGen C1837728, MONDO:0012077, OMIM 608627.

Allele frequency attached by ClinVar (database versions not stated): gnomAD 0.00002 and 0.00011; TOPMed 0.00006; 1000 Genomes Project 0.00020; 1000 Genomes Project 30x 0.00031; gnomAD exomes 0.00059 and 0.00082; ExAC 0.00176.
gnomAD v4.1: 258 of 454,112 alleles (0.057%); highest among the groups gnomAD compares: South Asian, 0.35%; 4 homozygotes.

Submissions (2):

Illumina Laboratory Services, Illumina
Classification: Likely benign for Amyotrophic lateral sclerosis type 8. Last evaluated: 2018-01-12. Review status: criteria provided, single submitter. Criteria: ICSL Variant Classification Criteria 13 December 2019. Collection method: clinical testing. Allele origin: germline.
Comment: This variant was observed in the ICSL laboratory as part of a predisposition screen in an ostensibly healthy population. It had not been previously curated by ICSL or reported in the Human Gene Mutation Database (HGMD: prior to June 1st, 2018), and was therefore a candidate for classification through an automated scoring system. Utilizing variant allele frequency, disease prevalence and penetrance estimates, and inheritance mode, an automated score was calculated to assess if this variant is too frequent to cause the disease. Based on the score and internal cut-off values, a variant classified as likely benign is not then subjected to further curation. The score for this variant resulted in a classification of likely benign for this disease.

Illumina Laboratory Services, Illumina
Classification: Likely benign for Adult-onset proximal spinal muscular atrophy, autosomal dominant. Last evaluated: 2018-01-12. Review status: criteria provided, single submitter. Criteria: ICSL Variant Classification Criteria 13 December 2019. Collection method: clinical testing. Allele origin: germline.
Comment: the same text as in the submission from Illumina Laboratory Services, Illumina above.

NM_004738.5(VAPB):c.*2885G>C

Gene: VAPB (VAMP associated protein B and C; plus strand). Cytogenetic location: 20q13.32.
Variant type: single nucleotide variant.
Coding change: c.*2885G>C on transcript NM_004738.5 (MANE Select); 2885 bases downstream of the stop codon, G replaced by C.
Molecular consequence: 3 prime UTR variant. On other transcripts: non-coding transcript variant (1).
Genome position (GRCh38, 1-based): chr20:58,447,120, G>C. VCF-style: chr20-58447120-G-C. GRCh37 (hg19) VCF-style: chr20-57022176-G-C.
Other names: c.*2955G>C (NM_001195677.2).
Identifiers: ClinVar variation 895063 (VCV000895063.5), dbSNP rs578172184, ClinGen allele CA9924513.
Genomic context (GRCh38, chr20:58,447,120, plus strand): 5'-GAGCTGCTGCCAGGCTGCCCTCCAGTCTGCTCCTGTGGTTACTGGCTCCACAGCACCTCA[G>C]AGAGGGCGGCCCTGGCTTCAGAAATGCCAGCCATAGTGCTCACAAATGCAGAAGAGATGG-3'